The following is an entry in ClinVar:

ClinVar aggregate classification (germline): Uncertain significance (1 of 4 stars; one submission).

Allele frequency attached by ClinVar (database versions not stated): gnomAD exomes below 0.00001; ExAC 0.00001.

Submission:

Labcorp Genetics (formerly Invitae), Labcorp
Classification: Uncertain significance. Last evaluated: 2022-03-10. Review status: criteria provided, single submitter. Criteria: Invitae Variant Classification Sherloc (09022015). Collection method: clinical testing. Allele origin: germline.
Comment: This sequence change replaces tyrosine, which is neutral and polar, with cysteine, which is neutral and slightly polar, at codon 562 of the CNGB3 protein (p.Tyr562Cys). This variant is not present in population databases (gnomAD no frequency). This variant has not been reported in the literature in individuals affected with CNGB3-related conditions. Advanced modeling of protein sequence and biophysical properties (such as structural, functional, and spatial information, amino acid conservation, physicochemical variation, residue mobility, and thermodynamic stability) performed at Invitae indicates that this missense variant is expected to disrupt CNGB3 protein function. In summary, the available evidence is currently insufficient to determine the role of this variant in disease. Therefore, it has been classified as a Variant of Uncertain Significance.

NM_019098.5(CNGB3):c.1685A>G (p.Tyr562Cys)

Gene: CNGB3 (cyclic nucleotide gated channel subunit beta 3; minus strand). Cytogenetic location: 8q21.3.
Variant type: single nucleotide variant.
Coding change: c.1685A>G on transcript NM_019098.5 (MANE Select); coding-DNA position 1685, A replaced by G.
Protein change: p.Tyr562Cys; replaces tyrosine 562 with cysteine.
Molecular consequence: missense variant.
Genome position (GRCh38, 1-based): chr8:86,604,189, T>C on the plus strand (A>G on the coding strand, the complement: CNGB3 is on the minus strand). VCF-style: chr8-86604189-T-C. GRCh37 (hg19) VCF-style: chr8-87616417-T-C.
Other names: short protein forms Y562C.
Identifiers: ClinVar variation 1360756 (VCV001360756.4), dbSNP rs751901450, ClinGen allele CA4799925.